The following is an entry in ClinVar:

ClinVar aggregate classification (germline): Likely benign. Review status: criteria provided, multiple submitters, no conflicts (2 of 4 stars). 8 submissions from 6 submitters: Likely benign (7). 1 of the submissions does not count toward it. Last evaluated 2026-07-23.

Conditions:
Retinitis pigmentosa 12 (RP12). Also called: RP WITH OR WITHOUT PPRPE; RETINITIS PIGMENTOSA WITH OR WITHOUT PARAARTERIOLAR PRESERVATION OF RETINAL PIGMENT EPITHELIUM; RP WITH OR WITHOUT PRESERVED PARAARTERIOLE RETINAL PIGMENT EPITHELIUM. Identifiers: Orphanet 791, MedGen C1838647, MONDO:0010818, OMIM 600105.
Leber congenital amaurosis 8 (LCA8). Identifiers: Orphanet 65, MedGen C3151202, MONDO:0013453, OMIM 613835.
Pigmented paravenous retinochoroidal atrophy. Identifiers: Orphanet 251295, MedGen C1868310, MONDO:0008246, OMIM 172870.
Leber congenital amaurosis (LCA). Also called: Leber's amaurosis. Identifiers: Orphanet 65, MedGen C0339527, MeSH D057130, MONDO:0018998.
CRB1-related disorder. Also called: CRB1-related disorders; CRB1-related condition.

Allele frequency attached by ClinVar (database versions not stated): TOPMed below 0.00001; ExAC 0.00001; gnomAD 0.00001; gnomAD exomes 0.00001; ESP Exome Variant Server 0.00008.
gnomAD v4.1: 19 of 1,613,870 alleles (0.0012%); highest among the groups gnomAD compares: Non-Finnish European, 0.0016%; no homozygotes.

Submissions (8):

PreventionGenetics, part of Exact Sciences
Classification: Likely benign for CRB1-related condition. Last evaluated: 2026-07-23. Review status: criteria provided, single submitter. Criteria: ACMG Guidelines, 2015. Collection method: clinical testing. Allele origin: germline.
Comment: This variant is classified as likely benign based on ACMG/AMP sequence variant interpretation guidelines (Richards et al. 2015 PMID: 25741868, with internal and published modifications).

Blueprint Genetics
Classification: Likely benign. Last evaluated: 2024-09-20. Review status: criteria provided, single submitter. Criteria: ACMG Guidelines, 2015. Collection method: clinical testing. Allele origin: germline.

Labcorp Genetics (formerly Invitae), Labcorp
Classification: Likely benign for Leber congenital amaurosis 8; Retinitis pigmentosa 12. Last evaluated: 2024-02-24. Review status: criteria provided, single submitter. Criteria: Invitae Variant Classification Sherloc (09022015). Collection method: clinical testing. Allele origin: germline.

Genome-Nilou Lab
Classification: Likely benign for Leber congenital amaurosis 8. Last evaluated: 2023-04-11. Review status: criteria provided, single submitter. Criteria: ACMG Guidelines, 2015. Collection method: clinical testing. Allele origin: germline. Affected: no.

Genome-Nilou Lab
Classification: Likely benign for Pigmented paravenous retinochoroidal atrophy. Last evaluated: 2023-04-11. Review status: criteria provided, single submitter. Criteria: ACMG Guidelines, 2015. Collection method: clinical testing. Allele origin: germline. Affected: no.

Genome-Nilou Lab
Classification: Likely benign for Retinitis pigmentosa 12. Last evaluated: 2023-04-11. Review status: criteria provided, single submitter. Criteria: ACMG Guidelines, 2015. Collection method: clinical testing. Allele origin: germline. Affected: no.

Fulgent Genetics
Classification: Likely benign for Pigmented paravenous retinochoroidal atrophy; Retinitis pigmentosa 12; Leber congenital amaurosis 8. Last evaluated: 2022-05-06. Review status: criteria provided, single submitter. Criteria: ACMG Guidelines, 2015. Collection method: clinical testing. Allele origin: unknown.

Natera, Inc.
Classification: Likely benign for Leber congenital amaurosis. Last evaluated: 2020-10-28. Review status: no assertion criteria provided. Collection method: clinical testing. Allele origin: germline. Not counted in ClinVar's aggregate classification.

NM_201253.3(CRB1):c.1206T>C (p.Ser402=)

Gene: CRB1 (crumbs cell polarity complex component 1; plus strand). Cytogenetic location: 1q31.3.
Variant type: single nucleotide variant.
Coding change: c.1206T>C on transcript NM_201253.3 (MANE Select); coding-DNA position 1206, T replaced by C.
Protein change: p.Ser402=; no amino-acid change (serine 402 retained).
Molecular consequence: synonymous variant. On other transcripts: non-coding transcript variant (2).
Genome position (GRCh38, 1-based): chr1:197,421,034, T>C. VCF-style: chr1-197421034-T-C. GRCh37 (hg19) VCF-style: chr1-197390164-T-C.
Other names: c.870T>C, p.Ser290= (NM_001193640.2); c.999T>C, p.Ser333= (NM_001257965.2); c.1206T>C, p.Ser402= (NM_001257966.2).
Identifiers: ClinVar variation 797793 (VCV000797793.15), dbSNP rs373229699, ClinGen allele CA1311888.